The following is an entry in ClinVar:

NC_000011.9:g.(?_62156585)_(62159756_?)dup

Gene: ASRGL1 (asparaginase and isoaspartyl peptidase 1; plus strand). Cytogenetic location: 11q12.3.
Variant type: Duplication.
Identifiers: ClinVar variation 2423672 (VCV002423672.3).

ClinVar aggregate classification (germline): Uncertain significance (1 of 4 stars; one submission).

Submission:

Labcorp Genetics (formerly Invitae), Labcorp
Classification: Uncertain significance. Last evaluated: 2022-10-30. Review status: criteria provided, single submitter. Criteria: Invitae Variant Classification Sherloc (09022015). Collection method: clinical testing. Allele origin: germline.
Comment: This variant results in a copy number gain of the genomic region encompassing exon(s) 5-7 of the ASRGL1 gene. This region includes the termination codon of the gene. This copy number gain extends beyond the assayed region for this gene and therefore may encompass additional genes. As the precise location of this event is unknown, it may be in tandem or it may be located elsewhere in the genome. This variant has not been reported in the literature in individuals affected with ASRGL1-related conditions. Experimental studies and prediction algorithms are not available or were not evaluated, and the functional significance of this variant is currently unknown. In summary, the available evidence is currently insufficient to determine the role of this variant in disease. Therefore, it has been classified as a Variant of Uncertain Significance.